The following is an entry in ClinVar:

ClinVar aggregate classification (germline): Benign/Likely benign. Review status: criteria provided, multiple submitters, no conflicts (2 of 4 stars). 3 submissions from 3 submitters: Benign (1); Likely benign (2). Last evaluated 2026-05-22.

Conditions:
Neurofibromatosis, type 1 (NF1). Also called: VON RECKLINGHAUSEN DISEASE; Neurofibromatosis, type I; NEUROFIBROMATOSIS, TYPE I, SOMATIC; Peripheral type neurofibromatosis. Identifiers: Orphanet 636, MedGen C0027831, MONDO:0018975, OMIM 162200. Disease mechanism: loss of function.
Hereditary cancer-predisposing syndrome. Also called: Neoplastic Syndromes, Hereditary; Tumor predisposition; Hereditary Cancer Syndrome; Hereditary neoplastic syndrome. Identifiers: Orphanet 140162, MedGen C0027672, MeSH D009386, MONDO:0015356.
Cardiovascular phenotype. Identifiers: MedGen CN230736.

gnomAD v4.1: 1 of 1,613,948 alleles (0.000062%); highest among the groups gnomAD compares: Non-Finnish European, 0.000085%; no homozygotes.

Submissions (3):

Myriad Genetics, Inc.
Classification: Benign for Neurofibromatosis, type 1. Last evaluated: 2026-05-22. Review status: criteria provided, single submitter. Criteria: Myriad Autosomal Dominant, Autosomal Recessive and X-Linked Classification Criteria (2023). Collection method: clinical testing. Allele origin: unknown.
Comment: This variant is considered benign. This variant is a silent/synonymous amino acid change and it is not expected to impact splicing.

Labcorp Genetics (formerly Invitae), Labcorp
Classification: Likely benign for Neurofibromatosis, type 1. Last evaluated: 2026-01-26. Review status: criteria provided, single submitter. Criteria: Invitae Variant Classification Sherloc (09022015). Collection method: clinical testing. Allele origin: germline.

Ambry Genetics
Classification: Likely benign for Cardiovascular phenotype; Hereditary cancer-predisposing syndrome. Last evaluated: 2023-01-16. Review status: criteria provided, single submitter. Criteria: Ambry Variant Classification Scheme 2023. Collection method: clinical testing. Allele origin: germline.

NM_001042492.3(NF1):c.7764A>G (p.Gln2588=)

Gene: NF1 (neurofibromin 1; plus strand). Cytogenetic location: 17q11.2.
Variant type: single nucleotide variant.
Coding change: c.7764A>G on transcript NM_001042492.3 (MANE Select); coding-DNA position 7764, A replaced by G.
Protein change: p.Gln2588=; no amino-acid change (glutamine 2588 retained).
Molecular consequence: synonymous variant.
Genome position (GRCh38, 1-based): chr17:31,356,985, A>G. VCF-style: chr17-31356985-A-G. GRCh37 (hg19) VCF-style: chr17-29684003-A-G.
Other names: c.7701A>G, p.Gln2567= (NM_000267.4).
Identifiers: ClinVar variation 1469307 (VCV001469307.11), dbSNP rs2151582238, ClinGen allele CA499239417.